The following is an entry in ClinVar:

NM_002230.4(JUP):c.1129C>T (p.Arg377Cys)

Gene: JUP (junction plakoglobin; minus strand). Cytogenetic location: 17q21.2.
Variant type: single nucleotide variant.
Coding change: c.1129C>T on transcript NM_002230.4 (MANE Select); coding-DNA position 1129, C replaced by T.
Protein change: p.Arg377Cys; replaces arginine 377 with cysteine.
Molecular consequence: missense variant.
Genome position (GRCh38, 1-based): chr17:41,764,742, G>A on the plus strand (C>T on the coding strand, the complement: JUP is on the minus strand). VCF-style: chr17-41764742-G-A. GRCh37 (hg19) VCF-style: chr17-39920994-G-A.
Other names: c.1129C>T, p.Arg377Cys (NM_001352773.2, NM_001352774.2, NM_001352775.2 and 3 more transcripts); short protein forms R377C.
Identifiers: ClinVar variation 808262 (VCV000808262.17), dbSNP rs368564000, ClinGen allele CA399498676.
Genomic context (GRCh38, chr17:41,764,742, plus strand): 5'-GGTCAACCCCAGGCCCAGATACCTCCCTCACCTGCTTGGTGGCCACATCTGAGAGGTTGC[G>A]CAGGGTCCACAGGCAGTTCTGCACCAGGCGGGGGCTGTTGCTGGTCAGGTGCTTGCCCAG-3'
Protein context (NP_002221.1, residues 367-387): RLVQNCLWTL[Arg377Cys]NLSDVATKQE

ClinVar aggregate classification (germline): Uncertain significance. Review status: criteria provided, multiple submitters, no conflicts (2 of 4 stars). 2 submissions from 2 submitters: Uncertain significance (2). Last evaluated 2025-11-01.

Conditions:
Arrhythmogenic right ventricular dysplasia 12. Also called: ARRHYTHMOGENIC RIGHT VENTRICULAR DYSPLASIA, FAMILIAL, 12. Identifiers: MedGen C1969081, MONDO:0012684, OMIM 611528.
Naxos disease (NXD). Also called: CARDIOMYOPATHY, ARRHYTHMOGENIC RIGHT VENTRICULAR, WITH SKIN, HAIR, AND NAIL ABNORMALITIES; PALMOPLANTAR KERATODERMA WITH ARRHYTHMOGENIC RIGHT VENTRICULAR CARDIOMYOPATHY AND WOOLLY HAIR; KERATOSIS PALMOPLANTARIS WITH ARRHYTHMOGENIC CARDIOMYOPATHY; MAL DE NAXOS; WOOLLY HAIR, PALMOPLANTAR KERATODERMA, AND CARDIAC ABNORMALITIES. Identifiers: Orphanet 34217, MedGen C1832600, MONDO:0011017, OMIM 601214.
Cardiovascular phenotype. Identifiers: MedGen CN230736.

Allele frequency attached by ClinVar (database versions not stated): TOPMed 0.00001.

Submissions (2):

Labcorp Genetics (formerly Invitae), Labcorp
Classification: Uncertain significance for Arrhythmogenic right ventricular dysplasia 12; Naxos disease. Last evaluated: 2025-11-01. Review status: criteria provided, single submitter. Criteria: Invitae Variant Classification Sherloc (09022015). Collection method: clinical testing. Allele origin: germline.
Comment: This sequence change replaces arginine, which is basic and polar, with cysteine, which is neutral and slightly polar, at codon 377 of the JUP protein (p.Arg377Cys). This variant is present in population databases (no rsID available, gnomAD 0.006%). This variant has not been reported in the literature in individuals affected with JUP-related conditions. ClinVar contains an entry for this variant (Variation ID: 808262). An algorithm developed to predict the effect of missense changes on protein structure and function (PolyPhen-2) suggests that this variant is likely to be disruptive. In summary, the available evidence is currently insufficient to determine the role of this variant in disease. Therefore, it has been classified as a Variant of Uncertain Significance.

Ambry Genetics
Classification: Uncertain significance for Cardiovascular phenotype. Last evaluated: 2019-06-06. Review status: criteria provided, single submitter. Criteria: Ambry Variant Classification Scheme 2023. Collection method: clinical testing. Allele origin: germline.
Comment: The p.R377C variant (also known as c.1129C>T), located in coding exon 6 of the JUP gene, results from a C to T substitution at nucleotide position 1129. The arginine at codon 377 is replaced by cysteine, an amino acid with highly dissimilar properties. Other alterations affecting the same amino acid, p.R377H (c.1130G>A) and p.R377S (c.1129C>A), have been reported in association with cardiomyopathy (Zhou X et al. Eur J Med Genet, 2015 Apr;58:258-65; Walsh R et al. Genet. Med., 2017 02;19:192-203). This amino acid position is highly conserved in available vertebrate species. In addition, this alteration is predicted to be deleterious by in silico analysis. Since supporting evidence is limited at this time, the clinical significance of this alteration remains unclear.